The following is an entry in ClinVar:

ClinVar aggregate classification (germline): Uncertain significance. Review status: criteria provided, multiple submitters, no conflicts (2 of 4 stars). 3 submissions from 3 submitters: Uncertain significance (3). Last evaluated 2023-11-18.

Conditions:
Hereditary cancer-predisposing syndrome. Also called: Neoplastic Syndromes, Hereditary; Tumor predisposition; Hereditary Cancer Syndrome; Hereditary neoplastic syndrome. Identifiers: Orphanet 140162, MedGen C0027672, MeSH D009386, MONDO:0015356.
Cardiovascular phenotype. Identifiers: MedGen CN230736.
LZTR1-related schwannomatosis. Also called: Schwannomatosis-2, susceptibility to; Schwannomatosis 2. Identifiers: Orphanet 93921, MedGen C3810283, MONDO:0014299, OMIM 615670.

Submissions (3):

Labcorp Genetics (formerly Invitae), Labcorp
Classification: Uncertain significance. Last evaluated: 2023-11-18. Review status: criteria provided, single submitter. Criteria: Invitae Variant Classification Sherloc (09022015). Collection method: clinical testing. Allele origin: germline.
Comment: This sequence change replaces isoleucine, which is neutral and non-polar, with phenylalanine, which is neutral and non-polar, at codon 612 of the LZTR1 protein (p.Ile612Phe). This variant is not present in population databases (gnomAD no frequency). This variant has not been reported in the literature in individuals affected with LZTR1-related conditions. ClinVar contains an entry for this variant (Variation ID: 1781013). Advanced modeling of protein sequence and biophysical properties (such as structural, functional, and spatial information, amino acid conservation, physicochemical variation, residue mobility, and thermodynamic stability) performed at Invitae indicates that this missense variant is not expected to disrupt LZTR1 protein function with a negative predictive value of 80%. In summary, the available evidence is currently insufficient to determine the role of this variant in disease. Therefore, it has been classified as a Variant of Uncertain Significance.

Baylor Genetics
Classification: Uncertain significance for LZTR1-related schwannomatosis. Last evaluated: 2023-09-10. Review status: criteria provided, single submitter. Criteria: ACMG Guidelines, 2015. Collection method: clinical testing. Allele origin: unknown.

Ambry Genetics
Classification: Uncertain significance for Cardiovascular phenotype; Hereditary cancer-predisposing syndrome. Last evaluated: 2022-02-22. Review status: criteria provided, single submitter. Criteria: Ambry Variant Classification Scheme 2023. Collection method: clinical testing. Allele origin: germline.
Comment: The p.I612F variant (also known as c.1834A>T), located in coding exon 16 of the LZTR1 gene, results from an A to T substitution at nucleotide position 1834. The isoleucine at codon 612 is replaced by phenylalanine, an amino acid with highly similar properties. This amino acid position is conserved. In addition, this alteration is predicted to be deleterious by in silico analysis. Since supporting evidence is limited at this time, the clinical significance of this alteration remains unclear.

NM_006767.4(LZTR1):c.1834A>T (p.Ile612Phe)

Gene: LZTR1 (leucine zipper like post translational regulator 1; plus strand). Cytogenetic location: 22q11.21.
Variant type: single nucleotide variant.
Coding change: c.1834A>T on transcript NM_006767.4 (MANE Select); coding-DNA position 1834, A replaced by T.
Protein change: p.Ile612Phe; replaces isoleucine 612 with phenylalanine.
Molecular consequence: missense variant.
Genome position (GRCh38, 1-based): chr22:20,994,918, A>T. VCF-style: chr22-20994918-A-T. GRCh37 (hg19) VCF-style: chr22-21349207-A-T.
Other names: short protein forms I612F.
Identifiers: ClinVar variation 1781013 (VCV001781013.6), dbSNP rs2518622393, ClinGen allele CA410778557.